The following is an entry in ClinVar:

ClinVar aggregate classification (germline): Likely pathogenic (1 of 4 stars; one submission).

Conditions:
Retinitis pigmentosa 66 (RP66). Identifiers: Orphanet 791, MedGen C3715216, MONDO:0014093, OMIM 615233.

Submission:

Breda Genetics srl
Classification: Likely pathogenic for Retinitis pigmentosa 66. Last evaluated: 2019-11-23. Review status: criteria provided, single submitter. Criteria: ACMG Guidelines, 2015. Collection method: clinical testing. Allele origin: germline. Inheritance: Autosomal recessive inheritance. Affected: yes. Observed: 1 variant allele, 1 homozygote.
Comment: The variant creates a shift in the reading frame which is predicted to result in a premature stop codon 96 amino acids downstream, which is likely to result in a truncated protein or protein loss due to nonsense-mediated messenger decay (NMD). This variant has not been reported in dbSNP, gnomAD, 1000 Genomes, NHLI Exome Sequencing Project (ESP) or ClinVar.

NM_002900.3(RBP3):c.1408del (p.Asp470fs)

Gene: RBP3 (retinol binding protein 3; plus strand). Cytogenetic location: 10q11.22.
Variant type: Deletion.
Coding change: c.1408del on transcript NM_002900.3 (MANE Select); coding-DNA position 1408, one base deleted (G; older notation c.1408delG).
Protein change: p.Asp470fs; shifts the reading frame from aspartic acid 470.
Molecular consequence: frameshift variant.
Genome position (GRCh38, 1-based): chr10:47,349,892, G deleted; the last of 2 consecutive G bases (chr10:47,349,891-47,349,892); deleting either gives the same sequence. VCF-style (leftmost placement, unchanged base first): chr10-47349890-AG-A. GRCh37 (hg19) VCF-style: chr10-48389469-TC-T.
Other names: short protein forms D470fs.
Identifiers: ClinVar variation 869149 (VCV000869149.3), dbSNP rs1836931186, ClinGen allele CA916083101.